The following is an entry in ClinVar:

ClinVar aggregate classification (germline): Uncertain significance (1 of 4 stars; one submission).

Conditions:
Nemaline myopathy 2 (NEM2). Also called: Nemaline myopathy 2, autosomal recessive. Identifiers: MedGen C1850569, MONDO:0009725, OMIM 256030.

Submission:

Labcorp Genetics (formerly Invitae), Labcorp
Classification: Uncertain significance for Nemaline myopathy 2. Last evaluated: 2021-05-12. Review status: criteria provided, single submitter. Criteria: Invitae Variant Classification Sherloc (09022015). Collection method: clinical testing. Allele origin: germline.
Comment: Experimental studies and prediction algorithms are not available or were not evaluated, and the effect of this variant on mRNA splicing is currently unknown. This sequence change falls in intron 151 of the NEB gene. It does not directly change the encoded amino acid sequence of the NEB protein. The frequency data for this variant in the population databases is not available, as this variant may be reported as separate entries in the ExAC database. This variant has not been reported in the literature in individuals with NEB-related conditions. In summary, the available evidence is currently insufficient to determine the role of this variant in disease. Therefore, it has been classified as a Variant of Uncertain Significance.

NM_001164508.2(NEB):c.22161+17_22161+18delinsTC

Genes: NEB (nebulin; minus strand), RIF1 (replication timing regulatory factor 1; plus strand). Cytogenetic location: 2q23.3.
Variant type: Indel.
Coding change: c.22161+17_22161+18delinsTC on transcript NM_001164508.2 (MANE Select); bases 17 to 18 of the intron after coding-DNA position 22161, CG replaced by TC.
Molecular consequence: intron variant.
Genome position (GRCh38, 1-based): chr2:151,525,940-151,525,941, CG replaced by GA on the plus strand (CG replaced by TC on the coding strand, the reverse complement: NEB is on the minus strand). VCF-style: chr2-151525940-CG-GA. GRCh37 (hg19) VCF-style: chr2-152382454-CG-GA.
Other names: c.17058+17_17058+18delinsTC (NM_004543.5); c.22161+17_22161+18delinsTC (NM_001164507.2); c.22266+17_22266+18delinsTC (NM_001271208.2).
Identifiers: ClinVar variation 1357224 (VCV001357224.8), dbSNP rs2153451799, ClinGen allele CA2573133346.